The following is an entry in ClinVar:

NM_182914.3(SYNE2):c.7451C>T (p.Thr2484Ile)

Gene: SYNE2 (spectrin repeat containing nuclear envelope protein 2; plus strand). Cytogenetic location: 14q23.2.
Variant type: single nucleotide variant.
Coding change: c.7451C>T on transcript NM_182914.3 (MANE Select); coding-DNA position 7451, C replaced by T.
Protein change: p.Thr2484Ile; replaces threonine 2484 with isoleucine.
Molecular consequence: missense variant.
Genome position (GRCh38, 1-based): chr14:64,049,684, C>T. VCF-style: chr14-64049684-C-T. GRCh37 (hg19) VCF-style: chr14-64516402-C-T.
Other names: c.7451C>T, p.Thr2484Ile (NM_015180.6); short protein forms T2484I.
Identifiers: ClinVar variation 2143053 (VCV002143053.4), dbSNP rs769052051, ClinGen allele CA7220934.
Genomic context (GRCh38, chr14:64,049,684, plus strand): 5'-AGTTGGAAGCAAAGAAAGCAGCCATTAAGCCACTGGAACAAACAGAATGTCTTAACAAAA[C>T]AGAAACTGGGGCCTTGGTTCTCCACAATATAGGATATTCGGCACAGCATTTGGACAATTT-3'
Protein context (NP_878918.2, residues 2474-2494): PLEQTECLNK[Thr2484Ile]ETGALVLHNI

ClinVar aggregate classification (germline): Uncertain significance (1 of 4 stars; one submission).

Conditions:
Emery-Dreifuss muscular dystrophy 5, autosomal dominant (EDMD5). Also called: EMERY-DREIFUSS MUSCULAR DYSTROPHY 5. Identifiers: Orphanet 261, MedGen C2751805, MONDO:0013072, OMIM 612999.

Allele frequency attached by ClinVar (database versions not stated): ExAC 0.00001.
gnomAD v4.1: 1 of 1,614,122 alleles (0.000062%); highest among the groups gnomAD compares: Admixed American, 0.0017%; no homozygotes.

Submission:

Labcorp Genetics (formerly Invitae), Labcorp
Classification: Uncertain significance for Emery-Dreifuss muscular dystrophy 5, autosomal dominant. Last evaluated: 2022-05-12. Review status: criteria provided, single submitter. Criteria: Invitae Variant Classification Sherloc (09022015). Collection method: clinical testing. Allele origin: germline.
Comment: In summary, the available evidence is currently insufficient to determine the role of this variant in disease. Therefore, it has been classified as a Variant of Uncertain Significance. Algorithms developed to predict the effect of missense changes on protein structure and function (SIFT, PolyPhen-2, Align-GVGD) all suggest that this variant is likely to be tolerated. This variant has not been reported in the literature in individuals affected with SYNE2-related conditions. This variant is present in population databases (rs769052051, gnomAD 0.003%). This sequence change replaces threonine, which is neutral and polar, with isoleucine, which is neutral and non-polar, at codon 2484 of the SYNE2 protein (p.Thr2484Ile).